The following is an entry in ClinVar:

ClinVar aggregate classification (germline): Uncertain significance (1 of 4 stars; one submission).

Conditions:
HNF1A-related disorder. Also called: HNF1A-related condition.

Submission:

PreventionGenetics, part of Exact Sciences
Classification: Uncertain significance for HNF1A-related condition. Last evaluated: 2025-11-03. Review status: criteria provided, single submitter. Criteria: ACMG Guidelines, 2015. Collection method: clinical testing. Allele origin: germline.
Comment: The HNF1A c.-456C>A variant is located in the 5' untranslated region. To our knowledge, this variant has not been reported in the literature or in a large population database (gnomAD), indicating this variant is rare. At this time, the clinical significance of this variant is uncertain due to the absence of conclusive functional and genetic evidence.

NC_000012.12:g.120978313C>A

Gene: HNF1A (HNF1 homeobox A; plus strand). Cytogenetic location: 12q24.31.
Variant type: single nucleotide variant.
Genome position: GRCh38 VCF-style: chr12-120978313-C-A. GRCh37 (hg19) VCF-style: chr12-121416116-C-A.
Identifiers: ClinVar variation 4991071 (VCV004991071.1).